The following is an entry in ClinVar:

NM_001039591.3(USP9X):c.4468C>G (p.Pro1490Ala)

Gene: USP9X (ubiquitin specific peptidase 9 X-linked; plus strand). Cytogenetic location: Xp11.4.
Variant type: single nucleotide variant.
Coding change: c.4468C>G on transcript NM_001039591.3 (MANE Select); coding-DNA position 4468, C replaced by G.
Protein change: p.Pro1490Ala; replaces proline 1490 with alanine.
Molecular consequence: missense variant.
Genome position (GRCh38, 1-based): chrX:41,198,615, C>G. VCF-style: chrX-41198615-C-G. GRCh37 (hg19) VCF-style: chrX-41057868-C-G.
Other names: c.4468C>G, p.Pro1490Ala (NM_001039590.3); short protein forms P1490A.
Identifiers: ClinVar variation 1695863 (VCV001695863.2), dbSNP rs2147195295, ClinGen allele CA412775401.

ClinVar aggregate classification (germline): Uncertain significance (1 of 4 stars; one submission).

Submission:

GeneDx
Classification: Uncertain significance. Last evaluated: 2022-01-07. Review status: criteria provided, single submitter. Criteria: GeneDx Variant Classification Process June 2021. Collection method: clinical testing. Allele origin: germline. Affected: yes.
Comment: Not observed at significant frequency in large population cohorts (gnomAD); In silico analysis supports that this missense variant has a deleterious effect on protein structure/function; Has not been previously published as pathogenic or benign to our knowledge